The following is an entry in ClinVar:

ClinVar aggregate classification (germline): Benign (1 of 4 stars; one submission).

Conditions:
Juvenile polyposis syndrome (JPS). Identifiers: Orphanet 2929, MedGen C0345893, MONDO:0017380, OMIM 174900.

Submission:

Myriad Genetics, Inc.
Classification: Benign for Juvenile polyposis syndrome. Last evaluated: 2024-08-01. Review status: criteria provided, single submitter. Criteria: Myriad Autosomal Dominant, Autosomal Recessive and X-Linked Classification Criteria (2023). Collection method: clinical testing. Allele origin: unknown.
Comment: This variant is considered benign. This variant is intronic and is not expected to impact mRNA splicing.

NM_004329.3(BMPR1A):c.431-21_431-13del

Gene: BMPR1A (bone morphogenetic protein receptor type 1A; plus strand). Cytogenetic location: 10q23.2.
Variant type: Microsatellite.
Coding change: c.431-21_431-13del on transcript NM_004329.3 (MANE Select); 21 bases into the intron before coding-DNA position 431 through 13 bases into the intron before coding-DNA position 431, 9 bases deleted (ATTGTTTAC; older notation c.431-21_431-13delATTGTTTAC).
Molecular consequence: intron variant.
Genome position (GRCh38, 1-based): chr10:86,900,006-86,900,014, ATTGTTTAC deleted; deleting any 9 consecutive bases within chr10:86,899,997-86,900,014 gives the same sequence; the c. name uses the placement nearest the transcript's 3' end. VCF-style (leftmost placement, unchanged base first): chr10-86899996-AATTGTTTAC-A. GRCh37 (hg19) VCF-style: chr10-88659753-AATTGTTTAC-A.
Other names: c.431-21_431-13del (NM_001406562.1, NM_001406568.1, NM_001406567.1 and 22 more transcripts); c.347-21_347-13del (NM_001406584.1, NM_001406588.1, NM_001406587.1 and 2 more transcripts); c.333+7777_333+7785del (NM_001406589.1).
Identifiers: ClinVar variation 3378871 (VCV003378871.1).
Genomic context (GRCh38, chr10:86,899,996, plus strand): 5'-TCTGGTTTTACAGTAACCAGGCTACCTAGAATTGAACACGTCAGATTATTTTTTCATTTC[AATTGTTTAC>A]ATTGTTTACTTTTATTGTCAGGTCCGTTTTTTGATGGCAGCATTCGATGGCTGGTTTTGC-3'